The following is an entry in ClinVar:

NM_002734.5(PRKAR1A):c.546G>A (p.Thr182=)

Gene: PRKAR1A (protein kinase cAMP-dependent type I regulatory subunit alpha; plus strand). Cytogenetic location: 17q24.2.
Variant type: single nucleotide variant.
Coding change: c.546G>A on transcript NM_002734.5 (MANE Select); coding-DNA position 546, G replaced by A.
Protein change: p.Thr182=; no amino-acid change (threonine 182 retained).
Molecular consequence: synonymous variant.
Genome position (GRCh38, 1-based): chr17:68,524,955, G>A. VCF-style: chr17-68524955-G-A. GRCh37 (hg19) VCF-style: chr17-66521096-G-A.
Other names: c.546G>A, p.Thr182= (NM_001276289.2, NM_001276290.1, NM_001278433.2 and 4 more transcripts).
Identifiers: ClinVar variation 239385 (VCV000239385.23), dbSNP rs117639566, ClinGen allele CA8729299.

ClinVar aggregate classification (germline): Benign/Likely benign. Review status: criteria provided, multiple submitters, no conflicts (2 of 4 stars). 8 submissions from 7 submitters: Benign (3); Likely benign (5). Last evaluated 2026-02-01.

Conditions:
Hereditary cancer-predisposing syndrome. Also called: Neoplastic Syndromes, Hereditary; Hereditary neoplastic syndrome; Tumor predisposition; Hereditary Cancer Syndrome. Identifiers: Orphanet 140162, MedGen C0027672, MeSH D009386, MONDO:0015356.
Carney complex, type 1 (CNC1). Also called: CARNEY MYXOMA-ENDOCRINE COMPLEX; CARNEY COMPLEX, TYPE I. Identifiers: Orphanet 1359, MedGen C2607929, MONDO:0008057, OMIM 160980.
Acrodysostosis 1 with or without hormone resistance (ACRDYS1). Also called: ACRODYSOSTOSIS 1 WITH HORMONE RESISTANCE; ACRODYSOSTOSIS WITH HORMONE RESISTANCE; ACRODYSOSTOSIS 1 WITHOUT HORMONE RESISTANCE. Identifiers: Orphanet 280651, MedGen C3276228, MONDO:0007044, OMIM 101800.

Allele frequency attached by ClinVar (database versions not stated): gnomAD 0.00004 and 0.00011; TOPMed 0.00006; gnomAD exomes 0.00010 and 0.00025; ExAC 0.00011; 1000 Genomes Project 30x 0.00047; 1000 Genomes Project 0.00060.
gnomAD v4.1: 373 of 1,607,116 alleles (0.023%); highest among the groups gnomAD compares: East Asian, 0.75%; 4 homozygotes.

Submissions (8):

Labcorp Genetics (formerly Invitae), Labcorp
Classification: Likely benign for Carney complex, type 1. Last evaluated: 2026-02-01. Review status: criteria provided, single submitter. Criteria: Invitae Variant Classification Sherloc (09022015). Collection method: clinical testing. Allele origin: germline.

Sema4
Classification: Likely benign for Hereditary cancer-predisposing syndrome. Last evaluated: 2021-10-25. Review status: criteria provided, single submitter. Criteria: Sema4 Curation Guidelines. Collection method: curation. Allele origin: germline.

GeneDx
Classification: Likely benign. Last evaluated: 2020-09-18. Review status: criteria provided, single submitter. Criteria: GeneDx Variant Classification Process June 2021. Collection method: clinical testing. Allele origin: germline. Affected: yes.
Comment: This variant is associated with the following publications: (PMID: 12641630)

Women's Health and Genetics/Laboratory Corporation of America, LabCorp
Classification: Benign. Last evaluated: 2018-03-05. Review status: criteria provided, single submitter. Criteria: LabCorp Variant Classification Summary - May 2015. Collection method: clinical testing. Allele origin: germline.
Comment: Variant summary: PRKAR1A c.546G>A alters a conserved nucleotide resulting in a synonymous change and 5/5 in silico tools predict no significant effect on splicing. However, these predictions have yet to be functionally assessed. The variant allele was found at a frequency of 9.8e-05 in 245944 control chromosomes (gnomAD). The observed variant frequency is approximately 52 fold above the estimated maximal expected allele frequency for a pathogenic variant in PRKAR1A causing Carney Complex phenotype (1.9e-06), strongly suggesting that the variant is benign. To our knowledge, no occurrence of c.546G>A in individuals affected with Carney Complex and no experimental evidence demonstrating its impact on protein function have been reported. Multiple ClinVar submissions from clinical diagnostic laboratories (evaluation after 2014) cites the variant as "likely benign." Based on the evidence outlined above, the variant was classified as benign.

Illumina Laboratory Services, Illumina
Classification: Benign for Carney complex, type 1. Last evaluated: 2018-01-13. Review status: criteria provided, single submitter. Criteria: ICSL Variant Classification Criteria 13 December 2019. Collection method: clinical testing. Allele origin: germline.
Comment: This variant was observed in the ICSL laboratory as part of a predisposition screen in an ostensibly healthy population. It had not been previously curated by ICSL or reported in the Human Gene Mutation Database (HGMD: prior to June 1st, 2018), and was therefore a candidate for classification through an automated scoring system. Utilizing variant allele frequency, disease prevalence and penetrance estimates, and inheritance mode, an automated score was calculated to assess if this variant is too frequent to cause the disease. Based on the score and internal cut-off values, a variant classified as benign is not then subjected to further curation. The score for this variant resulted in a classification of benign for this disease.

Illumina Laboratory Services, Illumina
Classification: Benign for Acrodysostosis 1 with or without hormone resistance. Last evaluated: 2018-01-13. Review status: criteria provided, single submitter. Criteria: ICSL Variant Classification Criteria 13 December 2019. Collection method: clinical testing. Allele origin: germline.
Comment: the same text as in the submission from Illumina Laboratory Services, Illumina above.

Ambry Genetics
Classification: Likely benign for Hereditary cancer-predisposing syndrome. Last evaluated: 2017-03-07. Review status: criteria provided, single submitter. Criteria: Ambry Variant Classification Scheme 2023. Collection method: clinical testing. Allele origin: germline.

Breakthrough Genomics
Classification: Likely benign. Review status: criteria provided, single submitter. Criteria: ACMG Guidelines, 2015. Collection method: not provided. Allele origin: germline. Inheritance: Autosomal dominant inheritance. Affected: yes.